The following is an entry in ClinVar:

ClinVar aggregate classification (germline): Uncertain significance (1 of 4 stars; one submission).

Conditions:
Ullrich congenital muscular dystrophy 2 (UCMD2). Identifiers: Orphanet 75840, MedGen C4225314, MONDO:0014654, OMIM 616470.
Bethlem myopathy 2 (BTHLM2). Identifiers: Orphanet 536516, Orphanet 610, MedGen C4225313, MONDO:0034022, OMIM 616471.

Submission:

Labcorp Genetics (formerly Invitae), Labcorp
Classification: Uncertain significance for Bethlem myopathy 2; Ullrich congenital muscular dystrophy 2. Last evaluated: 2024-02-17. Review status: criteria provided, single submitter. Criteria: Invitae Variant Classification Sherloc (09022015). Collection method: clinical testing. Allele origin: germline.
Comment: This sequence change replaces threonine, which is neutral and polar, with isoleucine, which is neutral and non-polar, at codon 1151 of the COL12A1 protein (p.Thr1151Ile). This variant is not present in population databases (gnomAD no frequency). This variant has not been reported in the literature in individuals affected with COL12A1-related conditions. Advanced modeling of protein sequence and biophysical properties (such as structural, functional, and spatial information, amino acid conservation, physicochemical variation, residue mobility, and thermodynamic stability) performed at Invitae indicates that this missense variant is expected to disrupt COL12A1 protein function with a positive predictive value of 80%. In summary, the available evidence is currently insufficient to determine the role of this variant in disease. Therefore, it has been classified as a Variant of Uncertain Significance.

NM_004370.6(COL12A1):c.3452C>T (p.Thr1151Ile)

Gene: COL12A1 (collagen type XII alpha 1 chain; minus strand). Cytogenetic location: 6q13.
Variant type: single nucleotide variant.
Coding change: c.3452C>T on transcript NM_004370.6 (MANE Select); coding-DNA position 3452, C replaced by T.
Protein change: p.Thr1151Ile; replaces threonine 1151 with isoleucine.
Molecular consequence: missense variant. On other transcripts: intron variant (2).
Genome position (GRCh38, 1-based): chr6:75,154,529, G>A on the plus strand (C>T on the coding strand, the complement: COL12A1 is on the minus strand). VCF-style: chr6-75154529-G-A. GRCh37 (hg19) VCF-style: chr6-75864245-G-A.
Other names: c.74-2047C>T (NM_001424116.1, NM_080645.3); c.3452C>T, p.Thr1151Ile (NM_001424113.1, NM_001424114.1); c.3179C>T, p.Thr1060Ile (NM_001424115.1); short protein forms T1060I, T1151I.
Identifiers: ClinVar variation 3760826 (VCV003760826.2).